The following is an entry in ClinVar:

ClinVar aggregate classification (germline): Uncertain significance (1 of 4 stars; one submission).

Submission:

Dasa
Classification: Uncertain significance. Last evaluated: 2025-07-01. Review status: criteria provided, single submitter. Criteria: DASA Assertion Criteria. Collection method: clinical testing. Allele origin: germline.
Comment: NM_000489.6(ATRX):c.1617G>C (p.Gln539His) is a missense variant that results in the substitution of glutamine with histidine. This variant is absent from population databases. Computational prediction algorithms are consistent with a benign effect. The currently available literature and clinical evidence are not sufficient to establish a definitive association between this variant and the reported condition. Therefore, this variant is classified as a variant of uncertain significance.

NM_000489.6(ATRX):c.1617G>C (p.Gln539His)

Gene: ATRX (ATRX chromatin remodeler; minus strand). Cytogenetic location: Xq21.1.
Variant type: single nucleotide variant.
Coding change: c.1617G>C on transcript NM_000489.6 (MANE Select); coding-DNA position 1617, G replaced by C.
Protein change: p.Gln539His; replaces glutamine 539 with histidine.
Molecular consequence: missense variant.
Genome position (GRCh38, 1-based): chrX:77,683,639, C>G on the plus strand (G>C on the coding strand, the complement: ATRX is on the minus strand). VCF-style: chrX-77683639-C-G. GRCh37 (hg19) VCF-style: chrX-76939131-C-G.
Other names: c.1503G>C, p.Gln501His (NM_138270.5); short protein forms Q501H, Q539H.
Identifiers: ClinVar variation 4882332 (VCV004882332.2).